The following is an entry in ClinVar:

ClinVar aggregate classification (germline): Uncertain significance (1 of 4 stars; one submission).

Submission:

Labcorp Genetics (formerly Invitae), Labcorp
Classification: Uncertain significance. Last evaluated: 2022-09-01. Review status: criteria provided, single submitter. Criteria: Invitae Variant Classification Sherloc (09022015). Collection method: clinical testing. Allele origin: germline.
Comment: In summary, the available evidence is currently insufficient to determine the role of this variant in disease. Therefore, it has been classified as a Variant of Uncertain Significance. This sequence change replaces serine, which is neutral and polar, with proline, which is neutral and non-polar, at codon 706 of the DLL1 protein (p.Ser706Pro). This variant is not present in population databases (gnomAD no frequency). This variant has not been reported in the literature in individuals affected with DLL1-related conditions. Algorithms developed to predict the effect of missense changes on protein structure and function are either unavailable or do not agree on the potential impact of this missense change (SIFT: "Deleterious"; PolyPhen-2: "Probably Damaging"; Align-GVGD: "Class C0").

NM_005618.4(DLL1):c.2116T>C (p.Ser706Pro)

Genes: DLL1 (delta like canonical Notch ligand 1; minus strand), LOC126859913 (P300/CBP strongly-dependent group 1 enhancer GRCh37_chr6:170591232-170592431; plus strand). Cytogenetic location: 6q27.
Variant type: single nucleotide variant.
Coding change: c.2116T>C on transcript NM_005618.4 (MANE Select); coding-DNA position 2116, T replaced by C.
Protein change: p.Ser706Pro; replaces serine 706 with proline.
Molecular consequence: missense variant.
Genome position (GRCh38, 1-based): chr6:170,283,038, A>G on the plus strand (T>C on the coding strand, the complement: DLL1 is on the minus strand). VCF-style: chr6-170283038-A-G. GRCh37 (hg19) VCF-style: chr6-170592126-A-G.
Other names: short protein forms S706P.
Identifiers: ClinVar variation 1718591 (VCV001718591.6), dbSNP rs1783595866, ClinGen allele CA366505841.